The following is an entry in ClinVar:

ClinVar aggregate classification (germline): Uncertain significance (1 of 4 stars; one submission).

gnomAD v4.1: 7 of 1,116,960 alleles (0.00063%); highest among the groups gnomAD compares: Admixed American, 0.01%; no homozygotes.

Submission:

Women's Health and Genetics/Laboratory Corporation of America, LabCorp
Classification: Uncertain significance. Last evaluated: 2025-10-16. Review status: criteria provided, single submitter. Criteria: LabCorp Variant Classification Summary - May 2015. Collection method: clinical testing. Allele origin: germline.
Comment: Variant summary: CUX1 c.4318G>A (p.Gly1440Arg) results in a non-conservative amino acid change in the encoded protein sequence. Algorithms developed to predict the effect of missense changes on protein structure and function are either unavailable or do not agree on the potential impact of this missense change. The variant allele was found at a frequency of 6.3e-06 in 1113498 control chromosomes (gnomAD). The available data on variant occurrences in the general population are insufficient to allow any conclusion about variant significance. To our knowledge, no occurrence of c.4318G>A in individuals affected with CUX1-related conditions and no experimental evidence demonstrating its impact on protein function have been reported. No submitters have cited clinical-significance assessments for this variant to ClinVar. Based on the evidence outlined above, the variant was classified as uncertain significance.

Literature cited by the submitters: PubMed 23212519; PubMed 24316979; PubMed 31320321; PubMed 30515541.

NM_181552.4(CUX1):c.4285G>A (p.Gly1429Arg)

Gene: CUX1 (cut like homeobox 1; plus strand). Cytogenetic location: 7q22.1.
Variant type: single nucleotide variant.
Coding change: c.4285G>A on transcript NM_181552.4 (MANE Select); coding-DNA position 4285, G replaced by A.
Protein change: p.Gly1429Arg; replaces glycine 1429 with arginine.
Molecular consequence: missense variant. On other transcripts: intron variant (5).
Genome position (GRCh38, 1-based): chr7:102,248,809, G>A. VCF-style: chr7-102248809-G-A. GRCh37 (hg19) VCF-style: chr7-101892089-G-A.
Other names: c.4318G>A, p.Gly1440Arg (NM_001202543.2); c.1256-24557G>A (NM_001913.5); c.1250-24557G>A (NM_181500.4); c.1118-24557G>A (NM_001202545.3); c.1208-24557G>A (NM_001202544.3); c.1139-24557G>A (NM_001202546.3); short protein forms G1429R, G1440R.
Identifiers: ClinVar variation 4687243 (VCV004687243.1).